The following is an entry in ClinVar:

ClinVar aggregate classification (germline): Pathogenic (1 of 4 stars; one submission).

Conditions:
TP63-Related Spectrum Disorders.

Submission:

Labcorp Genetics (formerly Invitae), Labcorp
Classification: Pathogenic. Last evaluated: 2021-01-06. Review status: criteria provided, single submitter. Criteria: Invitae Variant Classification Sherloc (09022015). Collection method: clinical testing. Allele origin: germline.
Comment: For these reasons, this variant has been classified as Pathogenic. This variant disrupts the p.Arg350 amino acid residue in TP63. Other variant(s) that disrupt this residue have been observed in individuals with TP63-related conditions (PMID: 31502745, 19903181), which suggests that this may be a clinically significant amino acid residue. Algorithms developed to predict the effect of missense changes on protein structure and function are either unavailable or do not agree on the potential impact of this missense change (SIFT: "Deleterious"; PolyPhen-2: "Benign"; Align-GVGD: "Class C65"). This variant has been observed in individual(s) with ectrodactyly, ectodermal dysplasia, and cleft lip/palate syndrome (Invitae). In at least one individual the variant was observed to be de novo. This variant is not present in population databases (ExAC no frequency). This sequence change replaces arginine with serine at codon 350 of the TP63 protein (p.Arg350Ser). The arginine residue is highly conserved and there is a moderate physicochemical difference between arginine and serine.

Literature cited by the submitters: PubMed 31502745; PubMed 19903181.

NM_003722.5(TP63):c.1050A>T (p.Arg350Ser)

Gene: TP63 (tumor protein p63; plus strand). Cytogenetic location: 3q28.
Variant type: single nucleotide variant.
Coding change: c.1050A>T on transcript NM_003722.5 (MANE Select); coding-DNA position 1050, A replaced by T.
Protein change: p.Arg350Ser; replaces arginine 350 with serine.
Molecular consequence: missense variant.
Genome position (GRCh38, 1-based): chr3:189,868,637, A>T. VCF-style: chr3-189868637-A-T. GRCh37 (hg19) VCF-style: chr3-189586426-A-T.
Other names: c.1050A>T, p.Arg350Ser (NM_001114978.2, NM_001114979.2, NM_001329144.2 and 1 more transcripts); c.768A>T, p.Arg256Ser (NM_001114980.2, NM_001114981.2, NM_001114982.2 and 2 more transcripts); c.513A>T, p.Arg171Ser (NM_001329146.2, NM_001329150.2); c.1044A>T, p.Arg348Ser (NM_001329964.2); short protein forms R171S, R256S, R348S, R350S.
Identifiers: ClinVar variation 1062831 (VCV001062831.4), dbSNP rs2108806489, ClinGen allele CA355755204.